The following is an entry in ClinVar:

ClinVar aggregate classification (germline): Uncertain significance (1 of 4 stars; one submission).

gnomAD v4.1: 3 of 1,609,388 alleles (0.00019%); highest among the groups gnomAD compares: Non-Finnish European, 0.00025%; no homozygotes.

Submission:

GeneDx
Classification: Uncertain significance. Last evaluated: 2022-07-05. Review status: criteria provided, single submitter. Criteria: GeneDx Variant Classification Process June 2021. Collection method: clinical testing. Allele origin: germline. Affected: yes.
Comment: Not observed at significant frequency in large population cohorts (gnomAD); In silico analysis supports that this missense variant has a deleterious effect on protein structure/function; Has not been previously published as pathogenic or benign to our knowledge

NM_000142.5(FGFR3):c.2258C>T (p.Thr753Ile)

Gene: FGFR3 (fibroblast growth factor receptor 3; plus strand). Cytogenetic location: 4p16.3.
Variant type: single nucleotide variant.
Coding change: c.2258C>T on transcript NM_000142.5 (MANE Select); coding-DNA position 2258, C replaced by T.
Protein change: p.Thr753Ile; replaces threonine 753 with isoleucine.
Molecular consequence: missense variant. On other transcripts: synonymous variant (1), non-coding transcript variant (1).
Genome position (GRCh38, 1-based): chr4:1,806,918, C>T. VCF-style: chr4-1806918-C-T. GRCh37 (hg19) VCF-style: chr4-1808645-C-T.
Other names: c.2264C>T, p.Thr755Ile (NM_001163213.2); c.2261C>T, p.Thr754Ile (NM_001354809.2); c.2190C>T, p.Tyr730= (NM_001354810.2); c.1922C>T, p.Thr641Ile (NM_022965.4); short protein forms T641I, T753I, T754I, T755I.
Identifiers: ClinVar variation 2412947 (VCV002412947.4), dbSNP rs1220505525, ClinGen allele CA355985907.